The following is an entry in ClinVar:

ClinVar aggregate classification (germline): Uncertain significance (1 of 4 stars; one submission).

gnomAD v4.1: 1 of 1,613,490 alleles (0.000062%); highest among the groups gnomAD compares: Non-Finnish European, 0.000085%; no homozygotes.

Submission:

GeneDx
Classification: Uncertain significance. Last evaluated: 2025-04-01. Review status: criteria provided, single submitter. Criteria: GeneDx Variant Classification Process June 2021. Collection method: clinical testing. Allele origin: germline. Affected: yes.
Comment: Not observed at significant frequency in large population cohorts (gnomAD); In silico analysis supports that this missense variant has a deleterious effect on protein structure/function; Has not been previously published as pathogenic or benign to our knowledge

NM_002448.3(MSX1):c.679G>C (p.Ala227Pro)

Gene: MSX1 (msh homeobox 1; plus strand). Cytogenetic location: 4p16.2.
Variant type: single nucleotide variant.
Coding change: c.679G>C on transcript NM_002448.3 (MANE Select); coding-DNA position 679, G replaced by C.
Protein change: p.Ala227Pro; replaces alanine 227 with proline.
Molecular consequence: missense variant.
Genome position (GRCh38, 1-based): chr4:4,862,910, G>C. VCF-style: chr4-4862910-G-C. GRCh37 (hg19) VCF-style: chr4-4864637-G-C.
Other names: short protein forms A227P.
Identifiers: ClinVar variation 4278869 (VCV004278869.1).